The following is an entry in ClinVar:

NM_005219.5(DIAPH1):c.218C>T (p.Ala73Val)

Gene: DIAPH1 (diaphanous related formin 1; minus strand). Cytogenetic location: 5q31.3.
Variant type: single nucleotide variant.
Coding change: c.218C>T on transcript NM_005219.5 (MANE Select); coding-DNA position 218, C replaced by T.
Protein change: p.Ala73Val; replaces alanine 73 with valine.
Molecular consequence: missense variant.
Genome position (GRCh38, 1-based): chr5:141,587,124, G>A on the plus strand (C>T on the coding strand, the complement: DIAPH1 is on the minus strand). VCF-style: chr5-141587124-G-A. GRCh37 (hg19) VCF-style: chr5-140966691-G-A.
Other names: c.191C>T, p.Ala64Val (NM_001079812.3); c.218C>T, p.Ala73Val (NM_001314007.2); short protein forms A64V, A73V.
Identifiers: ClinVar variation 1353797 (VCV001353797.6), dbSNP rs2154596692, ClinGen allele CA361546531.

ClinVar aggregate classification (germline): Uncertain significance (1 of 4 stars; one submission).

Conditions:
Autosomal dominant nonsyndromic hearing loss 1. Also called: KONIGSMARK SYNDROME; DEAFNESS, AUTOSOMAL DOMINANT 1, WITH OR WITHOUT THROMBOCYTOPENIA. Identifiers: Orphanet 90635, MedGen C1852282, MONDO:0007424, OMIM 124900.
Progressive microcephaly-seizures-cortical blindness-developmental delay syndrome. Also called: Seizures, cortical blindness, and microcephaly syndrome. Identifiers: Orphanet 477814, MedGen C5567650, MONDO:0014714, OMIM 616632.

Submission:

Labcorp Genetics (formerly Invitae), Labcorp
Classification: Uncertain significance for Progressive microcephaly-seizures-cortical blindness-developmental delay syndrome; Autosomal dominant nonsyndromic hearing loss 1. Last evaluated: 2022-10-13. Review status: criteria provided, single submitter. Criteria: Invitae Variant Classification Sherloc (09022015). Collection method: clinical testing. Allele origin: germline.
Comment: This variant has not been reported in the literature in individuals affected with DIAPH1-related conditions. ClinVar contains an entry for this variant (Variation ID: 1353797). Algorithms developed to predict the effect of missense changes on protein structure and function are either unavailable or do not agree on the potential impact of this missense change (SIFT: "Tolerated"; PolyPhen-2: "Not Available"; Align-GVGD: "Class C0"). In summary, the available evidence is currently insufficient to determine the role of this variant in disease. Therefore, it has been classified as a Variant of Uncertain Significance. This variant is not present in population databases (gnomAD no frequency). This sequence change replaces alanine, which is neutral and non-polar, with valine, which is neutral and non-polar, at codon 73 of the DIAPH1 protein (p.Ala73Val).